The following is an entry in ClinVar:

NM_000179.3(MSH6):c.5C>A (p.Ser2Ter)

Gene: MSH6 (mutS homolog 6; plus strand). Cytogenetic location: 2p16.3.
Variant type: single nucleotide variant.
Coding change: c.5C>A on transcript NM_000179.3 (MANE Select); coding-DNA position 5, C replaced by A.
Protein change: p.Ser2Ter; replaces serine 2 with a stop codon.
Molecular consequence: nonsense. On other transcripts: 5 prime UTR variant (8), non-coding transcript variant (5), intron variant (5).
Genome position (GRCh38, 1-based): chr2:47,783,238, C>A. VCF-style: chr2-47783238-C-A. GRCh37 (hg19) VCF-style: chr2-48010377-C-A.
Other names: c.5C>A, p.Ser2Ter (NM_001281492.2, NM_001406795.1, NM_001406796.1 and 9 more transcripts); c.-732C>A (NM_001281493.2, NM_001406811.1); c.-324C>A (NM_001406799.1); c.-51C>A (NM_001406804.1); c.-924C>A (NM_001406807.1); c.-579C>A (NM_001406812.1); c.-990C>A (NM_001406814.1); c.-535C>A (NM_001406816.1); and 3 more; short protein forms S2*.
Identifiers: ClinVar variation 3913780 (VCV003913780.1).

ClinVar aggregate classification (germline): Likely pathogenic (1 of 4 stars; one submission).

Conditions:
Hereditary cancer-predisposing syndrome. Also called: Hereditary Cancer Syndrome; Hereditary neoplastic syndrome; Neoplastic Syndromes, Hereditary; Tumor predisposition. Identifiers: Orphanet 140162, MedGen C0027672, MeSH D009386, MONDO:0015356.

Submission:

Ambry Genetics
Classification: Likely pathogenic for Hereditary cancer-predisposing syndrome. Last evaluated: 2025-03-31. Review status: criteria provided, single submitter. Criteria: Ambry Variant Classification Scheme 2023. Collection method: clinical testing. Allele origin: germline.
Comment: The p.S2* variant (also known as c.5C>A), located in coding exon 1 of the MSH6 gene, results from a C to A substitution at nucleotide position 5. This changes the amino acid from a serine to a stop codon within coding exon 1. The predicted stop codon occurs in the 5&rsquo; end of theMSH6 gene. Premature termination codons in the 5&rsquo; end of a gene have been reported to escape nonsense-mediated mRNAdecay and/or lead to re-initiation (Rivas et al. Science. 2015 May 8;348(6235):666-9; Lindeboom et al. Nat Genet. 2016 Oct;48(10):1112-8; Rhee et al. Sci Rep. 2017 May 10;7(1):1653). Direct evidence for this alteration is unavailable, however premature termination codons are typically deleterious in nature. This variant is considered to be rare based on population cohorts in the Genome Aggregation Database (gnomAD). Based on the majority of available evidence to date, this variant is likely to be pathogenic.